The following is an entry in ClinVar:

ClinVar aggregate classification (germline): Likely benign (1 of 4 stars; one submission).

Allele frequency attached by ClinVar (database versions not stated): gnomAD 0.00005; TOPMed 0.00005; ExAC 0.00006; gnomAD exomes 0.00007; ESP Exome Variant Server 0.00017.
gnomAD v4.1: 119 of 1,613,794 alleles (0.0074%); highest among the groups gnomAD compares: Middle Eastern, 0.016%; no homozygotes.

Submission:

CeGaT Center for Human Genetics Tuebingen
Classification: Likely benign. Last evaluated: 2022-11-01. Review status: criteria provided, single submitter. Criteria: CeGaT Center For Human Genetics Tuebingen Variant Classification Criteria Version 2. Collection method: clinical testing. Allele origin: germline. Affected: yes. Observed: 2 variant alleles.
Comment: CSMD1: BP4, BP7

NM_033225.6(CSMD1):c.9501T>C (p.Ser3167=)

Genes: CSMD1 (CUB and Sushi multiple domains 1; minus strand), LOC105377785 (uncharacterized LOC105377785; plus strand). Cytogenetic location: 8p23.2.
Variant type: single nucleotide variant.
Coding change: c.9501T>C on transcript NM_033225.6 (MANE Select); coding-DNA position 9501, T replaced by C.
Protein change: p.Ser3167=; no amino-acid change (serine 3167 retained).
Molecular consequence: synonymous variant.
Genome position (GRCh38, 1-based): chr8:2,962,593, A>G on the plus strand (T>C on the coding strand, the complement: CSMD1 is on the minus strand). VCF-style: chr8-2962593-A-G. GRCh37 (hg19) VCF-style: chr8-2820115-A-G.
Identifiers: ClinVar variation 2658317 (VCV002658317.24), dbSNP rs368968438, ClinGen allele CA4605115.